The following is an entry in ClinVar:

NM_000222.3(KIT):c.2803-15G>T

Gene: KIT (KIT proto-oncogene, receptor tyrosine kinase; plus strand). Cytogenetic location: 4q12.
Variant type: single nucleotide variant.
Coding change: c.2803-15G>T on transcript NM_000222.3 (MANE Select); 15 bases into the intron before coding-DNA position 2803, G replaced by T.
Molecular consequence: intron variant.
Genome position (GRCh38, 1-based): chr4:54,738,414, G>T. VCF-style: chr4-54738414-G-T. GRCh37 (hg19) VCF-style: chr4-55604580-G-T.
Other names: c.2806-15G>T (NM_001385284.1); c.2803-15G>T (NM_001385290.1); c.2794-15G>T (NM_001385288.1); c.2791-15G>T (NM_001385292.1, NM_001093772.2); c.2800-15G>T (NM_001385285.1); c.2788-15G>T (NM_001385286.1).
Identifiers: ClinVar variation 1591318 (VCV001591318.9), dbSNP rs1723048949, ClinGen allele CA1458749149.

ClinVar aggregate classification (germline): Likely benign. Review status: criteria provided, multiple submitters, no conflicts (2 of 4 stars). 2 submissions from 2 submitters: Likely benign (2). Last evaluated 2026-06-02.

Conditions:
Gastrointestinal stromal tumor. Also called: Gastrointestinal stromal tumor, somatic; Gastrointestinal stroma tumor. Identifiers: Orphanet 44890, MedGen C0238198, MeSH D046152, MONDO:0011719, OMIM 606764, HP:0100723.

Allele frequency attached by ClinVar (database versions not stated): gnomAD exomes 0.00001.
gnomAD v4.1: 5 of 1,613,996 alleles (0.00031%); highest among the groups gnomAD compares: East Asian, 0.011%; no homozygotes.

Submissions (2):

Myriad Genetics, Inc.
Classification: Likely benign for Gastrointestinal stromal tumor. Last evaluated: 2026-06-02. Review status: criteria provided, single submitter. Criteria: Myriad Autosomal Dominant, Autosomal Recessive and X-Linked Classification Criteria (2023). Collection method: clinical testing. Allele origin: unknown.
Comment: This variant is considered likely benign. This variant is intronic and is not expected to impact mRNA splicing.

Labcorp Genetics (formerly Invitae), Labcorp
Classification: Likely benign for Gastrointestinal stromal tumor. Last evaluated: 2025-07-05. Review status: criteria provided, single submitter. Criteria: Invitae Variant Classification Sherloc (09022015). Collection method: clinical testing. Allele origin: germline.